The following is an entry in ClinVar:

NM_000112.4(SLC26A2):c.1564T>C (p.Ser522Pro)

Gene: SLC26A2 (solute carrier family 26 member 2; plus strand). Cytogenetic location: 5q32.
Variant type: single nucleotide variant.
Coding change: c.1564T>C on transcript NM_000112.4 (MANE Select); coding-DNA position 1564, T replaced by C.
Protein change: p.Ser522Pro; replaces serine 522 with proline.
Molecular consequence: missense variant.
Genome position (GRCh38, 1-based): chr5:149,981,157, T>C. VCF-style: chr5-149981157-T-C. GRCh37 (hg19) VCF-style: chr5-149360720-T-C.
Other names: short protein forms S522P.
Identifiers: ClinVar variation 2158872 (VCV002158872.1), dbSNP rs1561822752, ClinGen allele CA361708136.

ClinVar aggregate classification (germline): Uncertain significance (1 of 4 stars; one submission).

Conditions:
Achondrogenesis, type IB (ACG1B). Also called: Achondrogenesis Type 1B. Identifiers: Orphanet 932, Orphanet 93298, MedGen C0265274, MONDO:0010966, OMIM 600972.
Multiple epiphyseal dysplasia type 4 (EDM4). Also called: SLC26A2-Related Multiple Epiphyseal Dysplasia; Multiple Epiphyseal Dysplasia, Recessive; MULTIPLE EPIPHYSEAL DYSPLASIA WITH BILAYERED PATELLAE; MULTIPLE EPIPHYSEAL DYSPLASIA WITH CLUBFOOT; MULTIPLE EPIPHYSEAL DYSPLASIA, AUTOSOMAL RECESSIVE. Identifiers: Orphanet 93307, MedGen C1847593, MONDO:0009189, OMIM 226900.
Atelosteogenesis type II (AO2). Also called: Neonatal osseous dysplasia 1; SLC26A2-Related Atelosteogenesis; NEONATAL OSSEOUS DYSPLASIA I. Identifiers: Orphanet 56304, MedGen C1850554, MONDO:0009727, OMIM 256050.
Diastrophic dysplasia (DTD). Also called: Diastrophic dwarfism. Identifiers: Orphanet 628, MedGen C0220726, MONDO:0009107, OMIM 222600.

Submission:

Labcorp Genetics (formerly Invitae), Labcorp
Classification: Uncertain significance for Atelosteogenesis type II; Multiple epiphyseal dysplasia type 4; Achondrogenesis, type IB; Diastrophic dysplasia. Last evaluated: 2021-09-01. Review status: criteria provided, single submitter. Criteria: Invitae Variant Classification Sherloc (09022015). Collection method: clinical testing. Allele origin: germline.
Comment: This sequence change replaces serine with proline at codon 522 of the SLC26A2 protein (p.Ser522Pro). The serine residue is highly conserved and there is a moderate physicochemical difference between serine and proline. This variant is not present in population databases (ExAC no frequency). This missense change has been observed in individual(s) with diastrophic dysplasia (Invitae). In at least one individual the data is consistent with the variant being in trans (on the opposite chromosome) from a pathogenic variant. Algorithms developed to predict the effect of missense changes on protein structure and function are either unavailable or do not agree on the potential impact of this missense change (SIFT: "Deleterious"; PolyPhen-2: "Possibly Damaging"; Align-GVGD: "Class C0"). This variant disrupts the p.Ser522 amino acid residue in SLC26A2. Other variant(s) that disrupt this residue have been observed in individuals with SLC26A2-related conditions (PMID: 29024831), which suggests that this may be a clinically significant amino acid residue. In summary, the available evidence is currently insufficient to determine the role of this variant in disease. Therefore, it has been classified as a Variant of Uncertain Significance.

Literature cited by the submitters: PubMed 29024831.